The following is an entry in ClinVar:

NM_001308093.3(GATA4):c.764T>A (p.Leu255His)

Gene: GATA4 (GATA binding protein 4). Cytogenetic location: 8p23.1.
Variant type: single nucleotide variant.
Coding change: c.764T>A on transcript NM_001308093.3 (MANE Select); coding-DNA position 764, T replaced by A.
Protein change: p.Leu255His; replaces leucine 255 with histidine.
Molecular consequence: missense variant.
Genome position (GRCh38, 1-based): chr8:11,749,063, T>A. VCF-style: chr8-11749063-T-A. GRCh37 (hg19) VCF-style: chr8-11606572-T-A.
Other names: c.143T>A, p.Leu48His (NM_001308094.2, NM_001374273.1, NM_001374274.1); c.761T>A, p.Leu254His (NM_002052.5); short protein forms L254H, L255H, L48H.
Identifiers: ClinVar variation 3221999 (VCV003221999.1), dbSNP rs2486967556, ClinGen allele CA370312845.

ClinVar aggregate classification (germline): Uncertain significance (1 of 4 stars; one submission).

Conditions:
Cardiovascular phenotype. Identifiers: MedGen CN230736.

Submission:

Ambry Genetics
Classification: Uncertain significance for Cardiovascular phenotype. Last evaluated: 2023-11-22. Review status: criteria provided, single submitter. Criteria: Ambry Variant Classification Scheme 2023. Collection method: clinical testing. Allele origin: germline.
Comment: The p.L254H variant (also known as c.761T>A), located in coding exon 2 of the GATA4 gene, results from a T to A substitution at nucleotide position 761. The leucine at codon 254 is replaced by histidine, an amino acid with similar properties. This amino acid position is conserved. In addition, this alteration is predicted to be deleterious by in silico analysis. Since supporting evidence is limited at this time, the clinical significance of this alteration remains unclear.